The following is an entry in ClinVar:

NM_007194.4(CHEK2):c.1009-1G>C

Gene: CHEK2 (checkpoint kinase 2; minus strand). Cytogenetic location: 22q12.1.
Variant type: single nucleotide variant.
Coding change: c.1009-1G>C on transcript NM_007194.4 (MANE Select); the canonical splice acceptor site of the intron before coding-DNA position 1009, G replaced by C.
Molecular consequence: splice acceptor variant. On other transcripts: intron variant (3).
Genome position (GRCh38, 1-based): chr22:28,696,988, C>G on the plus strand (G>C on the coding strand, the complement: CHEK2 is on the minus strand). VCF-style: chr22-28696988-C-G. GRCh37 (hg19) VCF-style: chr22-29092976-C-G.
Other names: c.346-1G>C (NM_001437942.1, NM_001257387.3); c.808-1G>C (NM_001349956.3); c.1009-1115G>C (NM_145862.3); c.1102-1115G>C (NM_001438295.1); c.1102-1G>C (NM_001438293.1); c.1138-1115G>C (NM_001438294.1); c.1138-1G>C (NM_001005735.3).
Identifiers: ClinVar variation 3774440 (VCV003774440.1).

ClinVar aggregate classification (germline): Likely pathogenic (1 of 4 stars; one submission).

Conditions:
Hereditary cancer-predisposing syndrome. Also called: Tumor predisposition; Hereditary Cancer Syndrome; Neoplastic Syndromes, Hereditary; Hereditary neoplastic syndrome. Identifiers: Orphanet 140162, MedGen C0027672, MeSH D009386, MONDO:0015356.

Submission:

Molecular Diagnostics Laboratory, Catalan Institute of Oncology
Classification: Likely pathogenic for Hereditary cancer-predisposing syndrome. Last evaluated: 2024-10-14. Review status: criteria provided, single submitter. Criteria: ACMG Guidelines, 2015. Collection method: clinical testing. Allele origin: germline.
Comment: PVS1, PM2_Supporting c.1009-1G>C, located in a canonic splicing site, within a (potentially) clinically important functional domain of the CHEK2 gene, is predicted to alter splicing. This alteration is expected to result in loss of function by premature protein truncation and nonsense-mediated mRNA decay (PVS1). It is not present in the population database gnomAD v2.1.1, non-cancer dataset (PM2_supporting). To our knowledge, neither relevant clinical data nor well-established functional studies have been reported for this variant. This variant has not been reported in the ClinVar database or LOVD. Based on currently available information, the variant c.1009-1G>C should be considered a likely pathogenic variant, according to ACMG/AMP guidelines.